The following is an entry in ClinVar:

NM_000032.5(ALAS2):c.1384A>C (p.Met462Leu)

Gene: ALAS2 (5'-aminolevulinate synthase 2; minus strand). Cytogenetic location: Xp11.21.
Variant type: single nucleotide variant.
Coding change: c.1384A>C on transcript NM_000032.5 (MANE Select); coding-DNA position 1384, A replaced by C.
Protein change: p.Met462Leu; replaces methionine 462 with leucine.
Molecular consequence: missense variant.
Genome position (GRCh38, 1-based): chrX:55,014,800, T>G on the plus strand (A>C on the coding strand, the complement: ALAS2 is on the minus strand). VCF-style: chrX-55014800-T-G. GRCh37 (hg19) VCF-style: chrX-55041233-T-G.
Other names: c.1273A>C, p.Met425Leu (NM_001037967.4); c.1345A>C, p.Met449Leu (NM_001037968.4); short protein forms M449L, M425L, M462L.
Identifiers: ClinVar variation 4695667 (VCV004695667.1).

ClinVar aggregate classification (germline): Uncertain significance (1 of 4 stars; one submission).

gnomAD v4.1: 3 of 1,200,821 alleles (0.00025%); highest among the groups gnomAD compares: Non-Finnish European, 0.00034%; no homozygotes.

Submission:

Labcorp Genetics (formerly Invitae), Labcorp
Classification: Uncertain significance. Last evaluated: 2025-08-20. Review status: criteria provided, single submitter. Criteria: Invitae Variant Classification Sherloc (09022015). Collection method: clinical testing. Allele origin: germline.
Comment: This sequence change replaces methionine, which is neutral and non-polar, with leucine, which is neutral and non-polar, at codon 462 of the ALAS2 protein (p.Met462Leu). This variant is present in population databases (rs762608248, gnomAD 0.001%). This variant has not been reported in the literature in individuals affected with ALAS2-related conditions. Invitae Evidence Modeling of protein sequence and biophysical properties (such as structural, functional, and spatial information, amino acid conservation, physicochemical variation, residue mobility, and thermodynamic stability) indicates that this missense variant is not expected to disrupt ALAS2 protein function with a negative predictive value of 95%. In summary, the available evidence is currently insufficient to determine the role of this variant in disease. Therefore, it has been classified as a Variant of Uncertain Significance.